The following is an entry in ClinVar:

ClinVar aggregate classification (germline): Uncertain significance (1 of 4 stars; one submission).

Allele frequency attached by ClinVar (database versions not stated): ExAC 0.00001; gnomAD 0.00003; TOPMed 0.00004; gnomAD exomes 0.00010; ESP Exome Variant Server 0.00015.
gnomAD v4.1: 155 of 1,614,100 alleles (0.0096%); highest among the groups gnomAD compares: Non-Finnish European, 0.012%; no homozygotes.

Submission:

Labcorp Genetics (formerly Invitae), Labcorp
Classification: Uncertain significance. Last evaluated: 2023-02-28. Review status: criteria provided, single submitter. Criteria: Invitae Variant Classification Sherloc (09022015). Collection method: clinical testing. Allele origin: germline.
Comment: Advanced modeling of protein sequence and biophysical properties (such as structural, functional, and spatial information, amino acid conservation, physicochemical variation, residue mobility, and thermodynamic stability) performed at Invitae indicates that this missense variant is not expected to disrupt PROKR2 protein function. Experimental studies have shown that this missense change does not substantially affect PROKR2 function (PMID: 29161432). In summary, the available evidence is currently insufficient to determine the role of this variant in disease. Therefore, it has been classified as a Variant of Uncertain Significance. This variant has not been reported in the literature in individuals affected with PROKR2-related conditions. This variant is present in population databases (rs372651342, gnomAD 0.003%). This sequence change replaces isoleucine, which is neutral and non-polar, with valine, which is neutral and non-polar, at codon 69 of the PROKR2 protein (p.Ile69Val).

Literature cited by the submitters: PubMed 29161432.

NM_144773.4(PROKR2):c.205A>G (p.Ile69Val)

Gene: PROKR2 (prokineticin receptor 2; minus strand). Cytogenetic location: 20p12.3.
Variant type: single nucleotide variant.
Coding change: c.205A>G on transcript NM_144773.4 (MANE Select); coding-DNA position 205, A replaced by G.
Protein change: p.Ile69Val; replaces isoleucine 69 with valine.
Molecular consequence: missense variant.
Genome position (GRCh38, 1-based): chr20:5,314,165, T>C on the plus strand (A>G on the coding strand, the complement: PROKR2 is on the minus strand). VCF-style: chr20-5314165-T-C. GRCh37 (hg19) VCF-style: chr20-5294811-T-C.
Other names: short protein forms I69V.
Identifiers: ClinVar variation 2734946 (VCV002734946.3), dbSNP rs372651342, ClinGen allele CA9754410.
Genomic context (GRCh38, chr20:5,314,165, plus strand): 5'-TGGTGAGGTTGCGCAACTTCTTATAGCGGGTGAGGGCAGCGATAAAGACAAAGTTACCGA[T>C]GCCGCAGACCAGCATGATGCCTGCCAGTGCAATGCCAATGACGATCTTGGCTGCGAAGAA-3'
Protein context (NP_658986.1, residues 59-79): ALAGIMLVCG[Ile69Val]GNFVFIAALT